The following is an entry in ClinVar:

ClinVar aggregate classification (germline): Benign/Likely benign. Review status: criteria provided, multiple submitters, no conflicts (2 of 4 stars). 4 submissions from 4 submitters: Benign (1); Likely benign (3). Last evaluated 2025-12-27.

Conditions:
Early-infantile DEE. Also called: Early infantile epileptic encephalopathy; Ohtahara syndrome; Early infantile epileptic encephalopathy with suppression bursts. Identifiers: Orphanet 1934, MedGen C0393706, MONDO:0800491.

Allele frequency attached by ClinVar (database versions not stated): gnomAD below 0.00001 and 0.00001; gnomAD exomes 0.00001 and 0.00003; TOPMed 0.00002; ExAC 0.00003; ESP Exome Variant Server 0.00008.
gnomAD v4.1: 13 of 1,613,808 alleles (0.00081%); highest among the groups gnomAD compares: Middle Eastern, 0.016%; 1 homozygote.

Submissions (4):

Labcorp Genetics (formerly Invitae), Labcorp
Classification: Benign for Early-infantile DEE. Last evaluated: 2025-12-27. Review status: criteria provided, single submitter. Criteria: Invitae Variant Classification Sherloc (09022015). Collection method: clinical testing. Allele origin: germline.

CeGaT Center for Human Genetics Tuebingen
Classification: Likely benign. Last evaluated: 2025-06-01. Review status: criteria provided, single submitter. Criteria: CeGaT Center For Human Genetics Tuebingen Variant Classification Criteria Version 2. Collection method: clinical testing. Allele origin: germline. Affected: yes. Observed: 1 variant allele.
Comment: GNAO1: BP4, BS2

GeneDx
Classification: Likely benign. Last evaluated: 2020-12-18. Review status: criteria provided, single submitter. Criteria: GeneDx Variant Classification Process June 2021. Collection method: clinical testing. Allele origin: germline. Affected: yes.
Comment: This variant is associated with the following publications: (PMID: 32898863)

Breakthrough Genomics
Classification: Likely benign. Review status: criteria provided, single submitter. Criteria: ACMG Guidelines, 2015. Collection method: not provided. Allele origin: germline. Inheritance: Autosomal dominant inheritance. Affected: yes.

NM_020988.3(GNAO1):c.496G>A (p.Ala166Thr)

Gene: GNAO1 (G protein subunit alpha o1; plus strand). Cytogenetic location: 16q13.
Variant type: single nucleotide variant.
Coding change: c.496G>A on transcript NM_020988.3 (MANE Select); coding-DNA position 496, G replaced by A.
Protein change: p.Ala166Thr; replaces alanine 166 with threonine.
Molecular consequence: missense variant.
Genome position (GRCh38, 1-based): chr16:56,334,760, G>A. VCF-style: chr16-56334760-G-A. GRCh37 (hg19) VCF-style: chr16-56368672-G-A.
Other names: c.496G>A, p.Ala166Thr (NM_138736.3); short protein forms A166T.
Identifiers: ClinVar variation 956578 (VCV000956578.22), dbSNP rs375960435, ClinGen allele CA8063787.